The following is an entry in ClinVar:

NC_000011.9:g.(?_108186540)_(108196962_?)del

Gene: ATM (ATM serine/threonine kinase; plus strand). Cytogenetic location: 11q22.3.
Variant type: Deletion.
Identifiers: ClinVar variation 2422219 (VCV002422219.4).

ClinVar aggregate classification (germline): Pathogenic (1 of 4 stars; one submission).

Conditions:
Ataxia-telangiectasia syndrome (AT). Also called: Cerebello-oculocutaneous telangiectasia; Immunodeficiency with ataxia telangiectasia; Ataxia-telangiectasia; AT, COMPLEMENTATION GROUP C; Ataxia telangiectasia (A-T); LOUIS-BAR SYNDROME. Identifiers: Orphanet 100, MedGen C0004135, MONDO:0008840, OMIM 208900.

Submission:

Labcorp Genetics (formerly Invitae), Labcorp
Classification: Pathogenic for Ataxia-telangiectasia syndrome. Last evaluated: 2023-01-16. Review status: criteria provided, single submitter. Criteria: Invitae Variant Classification Sherloc (09022015). Collection method: clinical testing. Allele origin: germline.
Comment: This variant is a gross deletion of the genomic region encompassing exon(s) 41-47 of the ATM gene. This variant would be expected to be in-frame, preserving the integrity of the reading frame. This variant has not been reported in the literature in individuals affected with ATM-related conditions. For these reasons, this variant has been classified as Pathogenic. This variant disrupts a region of the ATM protein in which other variant(s) (p.Ala2067Asp) have been determined to be pathogenic (PMID: 9887333, 22345219, 25077176, 25914063). This suggests that this is a clinically significant region of the protein, and that variants that disrupt it are likely to be disease-causing.

Literature cited by the submitters: PubMed 9887333; PubMed 22345219; PubMed 25077176; PubMed 25914063.